The following is an entry in ClinVar:

NM_000038.6(APC):c.1549-16T>C

Gene: APC (APC regulator of Wnt signaling pathway; plus strand). Cytogenetic location: 5q22.2.
Variant type: single nucleotide variant.
Coding change: c.1549-16T>C on transcript NM_000038.6 (MANE Select); 16 bases into the intron before coding-DNA position 1549, T replaced by C.
Molecular consequence: intron variant.
Genome position (GRCh38, 1-based): chr5:112,827,913, T>C. VCF-style: chr5-112827913-T-C. GRCh37 (hg19) VCF-style: chr5-112163610-T-C.
Other names: c.1549-16T>C (NM_001354895.2, NM_001127510.3); c.1579-16T>C (NM_001354897.2); c.1276-16T>C (NM_001354902.2); c.1495-16T>C (NM_001127511.3); c.1474-16T>C (NM_001354898.2); c.1171-16T>C (NM_001354904.2); c.700-16T>C (NM_001354906.2); c.1603-16T>C (NM_001354896.2); and 5 more.
Identifiers: ClinVar variation 490212 (VCV000490212.14), dbSNP rs773455401, ClinGen allele CA028279.

ClinVar aggregate classification (germline): Benign/Likely benign. Review status: criteria provided, multiple submitters, no conflicts (2 of 4 stars). 4 submissions from 4 submitters: Benign (2); Likely benign (2). Last evaluated 2026-01-19.

Conditions:
Hereditary cancer-predisposing syndrome. Also called: Tumor predisposition; Hereditary Cancer Syndrome; Neoplastic Syndromes, Hereditary; Hereditary neoplastic syndrome. Identifiers: Orphanet 140162, MedGen C0027672, MeSH D009386, MONDO:0015356.
Familial adenomatous polyposis 1 (FAP1). Also called: POLYPOSIS, ADENOMATOUS INTESTINAL; FAMILIAL ADENOMATOUS POLYPOSIS 1, ATTENUATED. Identifiers: MedGen C2713442, MONDO:0021056, OMIM 175100. Disease mechanism: loss of function.

Allele frequency attached by ClinVar (database versions not stated): gnomAD below 0.00001 and 0.00005; TOPMed 0.00001; gnomAD exomes 0.00009 and 0.00014; ExAC 0.00023.
gnomAD v4.1: 134 of 1,607,064 alleles (0.0083%); highest among the groups gnomAD compares: South Asian, 0.14%; no homozygotes.

Submissions (4):

Labcorp Genetics (formerly Invitae), Labcorp
Classification: Benign for Familial adenomatous polyposis 1. Last evaluated: 2026-01-19. Review status: criteria provided, single submitter. Criteria: Invitae Variant Classification Sherloc (09022015). Collection method: clinical testing. Allele origin: germline.

Myriad Genetics, Inc.
Classification: Benign for Familial adenomatous polyposis 1. Last evaluated: 2025-02-04. Review status: criteria provided, single submitter. Criteria: Myriad Autosomal Dominant, Autosomal Recessive and X-Linked Classification Criteria (2023). Collection method: clinical testing. Allele origin: unknown.
Comment: This variant is considered benign. This variant is intronic and is not expected to impact mRNA splicing. This variant has been observed at a population frequency that is significantly greater than expected given the associated disease prevalence and penetrance.

Blueprint Genetics
Classification: Likely benign. Last evaluated: 2023-05-15. Review status: criteria provided, single submitter. Criteria: ACMG Guidelines, 2015. Collection method: clinical testing. Allele origin: germline.

Color Diagnostics, LLC DBA Color Health
Classification: Likely benign for Hereditary cancer-predisposing syndrome. Last evaluated: 2016-09-26. Review status: criteria provided, single submitter. Criteria: ACMG Guidelines, 2015. Collection method: clinical testing. Allele origin: germline.